The following is an entry in ClinVar:

ClinVar aggregate classification (germline): Uncertain significance (1 of 4 stars; one submission).

Submission:

GeneDx
Classification: Uncertain significance. Last evaluated: 2025-09-24. Review status: criteria provided, single submitter. Criteria: GeneDx Variant Classification Process June 2021. Collection method: clinical testing. Allele origin: germline. Affected: yes.
Comment: Not observed at significant frequency in large population cohorts (gnomAD); In silico analysis does not support a benign or deleterious effect of this variant on protein structure/function; Has not been previously published as pathogenic or benign to our knowledge

NM_173483.4(CYP4F22):c.376_377delinsAA (p.Ala126Asn)

Gene: CYP4F22 (cytochrome P450 family 4 subfamily F member 22; plus strand). Cytogenetic location: 19p13.12.
Variant type: Indel.
Coding change: c.376_377delinsAA on transcript NM_173483.4 (MANE Select); coding-DNA positions 376 to 377, GC replaced by AA.
Protein change: p.Ala126Asn; replaces alanine 126 with asparagine.
Molecular consequence: missense variant.
Genome position (GRCh38, 1-based): chr19:15,537,369-15,537,370, GC replaced by AA. VCF-style: chr19-15537369-GC-AA. GRCh37 (hg19) VCF-style: chr19-15648180-GC-AA.
Other names: short protein forms A126N.
Identifiers: ClinVar variation 3371205 (VCV003371205.2).